The following is an entry in ClinVar:

ClinVar aggregate classification (germline): Benign/Likely benign. Review status: criteria provided, multiple submitters, no conflicts (2 of 4 stars). 7 submissions from 7 submitters: Benign (1); Likely benign (6). Last evaluated 2026-01-26.

Conditions:
Cardiomyopathy (CMYO). Also called: Cardiomyopathies. Identifiers: Orphanet 167848, MedGen C0878544, MONDO:0004994, HP:0001638. Inheritance: Various modes of inheritance.
Catecholaminergic polymorphic ventricular tachycardia 1. Also called: VENTRICULAR TACHYCARDIA, CATECHOLAMINERGIC POLYMORPHIC, 1, WITH OR WITHOUT ATRIAL DYSFUNCTION AND/OR DILATED CARDIOMYOPATHY; RYR2-Related Catecholaminergic Polymorphic Ventricular Tachycardia; VENTRICULAR TACHYCARDIA, STRESS-INDUCED POLYMORPHIC 1. Identifiers: Orphanet 3286, MedGen C1631597, MONDO:0011484, OMIM 604772.
Catecholaminergic polymorphic ventricular tachycardia (CVPT). Also called: Catecholamine-induced polymorphic ventricular tachycardia. Identifiers: Orphanet 3286, MedGen C5574922, MONDO:0017990.
Cardiovascular phenotype. Identifiers: MedGen CN230736.

Allele frequency attached by ClinVar (database versions not stated): ExAC 0.00001; gnomAD 0.00008 and 0.00009; TOPMed 0.00008.
gnomAD v4.1: 34 of 1,613,470 alleles (0.0021%); highest among the groups gnomAD compares: African/African-American, 0.039%; 1 homozygote.

Submissions (7):

Labcorp Genetics (formerly Invitae), Labcorp
Classification: Likely benign for Catecholaminergic polymorphic ventricular tachycardia 1. Last evaluated: 2026-01-26. Review status: criteria provided, single submitter. Criteria: Invitae Variant Classification Sherloc (09022015). Collection method: clinical testing. Allele origin: germline.

Molecular Diagnostic Laboratory for Inherited Cardiovascular Disease, Montreal Heart Institute
Classification: Likely benign. Last evaluated: 2025-04-09. Review status: criteria provided, single submitter. Criteria: ACMG Guidelines, 2015. Collection method: clinical testing. Allele origin: germline. Affected: no.

Women's Health and Genetics/Laboratory Corporation of America, LabCorp
Classification: Likely benign. Last evaluated: 2024-11-15. Review status: criteria provided, single submitter. Criteria: LabCorp Variant Classification Summary - May 2015. Collection method: clinical testing. Allele origin: germline.

All of Us Research Program, National Institutes of Health
Classification: Likely benign for Catecholaminergic polymorphic ventricular tachycardia. Last evaluated: 2023-12-07. Review status: criteria provided, single submitter. Criteria: ACMG Guidelines, 2015. Collection method: clinical testing. Allele origin: germline. Inheritance: Autosomal dominant inheritance. Observed: 3 variant alleles, 3 heterozygotes.
Comment: This study involves interpretation of variants in research participants for the purpose of population health screening. Participant phenotype was not available at the time of variant classification. Additional details can be found in publication PMID: 35346344, PMCID: PMC8962531

Ambry Genetics
Classification: Likely benign for Cardiovascular phenotype. Last evaluated: 2019-06-10. Review status: criteria provided, single submitter. Criteria: Ambry Variant Classification Scheme 2023. Collection method: clinical testing. Allele origin: germline.

Color Diagnostics, LLC DBA Color Health
Classification: Likely benign for Cardiomyopathy. Last evaluated: 2018-10-16. Review status: criteria provided, single submitter. Criteria: ACMG Guidelines, 2015. Collection method: clinical testing. Allele origin: germline.

GeneDx
Classification: Benign. Last evaluated: 2016-05-16. Review status: criteria provided, single submitter. Criteria: GeneDx Variant Classification Process June 2021. Collection method: clinical testing. Allele origin: germline. Affected: yes.

NM_001035.3(RYR2):c.7083T>C (p.Gly2361=)

Gene: RYR2 (ryanodine receptor 2; plus strand). Cytogenetic location: 1q43.
Variant type: single nucleotide variant.
Coding change: c.7083T>C on transcript NM_001035.3 (MANE Select); coding-DNA position 7083, T replaced by C.
Protein change: p.Gly2361=; no amino-acid change (glycine 2361 retained).
Molecular consequence: synonymous variant.
Genome position (GRCh38, 1-based): chr1:237,639,169, T>C. VCF-style: chr1-237639169-T-C. GRCh37 (hg19) VCF-style: chr1-237802469-T-C.
Other names: c.7083T>C, p.Gly2361= (LRG_402t1).
Identifiers: ClinVar variation 532390 (VCV000532390.22), dbSNP rs749474378, ClinGen allele CA087275.